The following is an entry in ClinVar:

ClinVar aggregate classification (germline): Pathogenic (1 of 4 stars; one submission).

Submission:

Labcorp Genetics (formerly Invitae), Labcorp
Classification: Pathogenic. Last evaluated: 2024-10-14. Review status: criteria provided, single submitter. Criteria: Invitae Variant Classification Sherloc (09022015). Collection method: clinical testing. Allele origin: germline.
Comment: This sequence change creates a premature translational stop signal (p.Val614Alafs*5) in the TMPRSS15 gene. It is expected to result in an absent or disrupted protein product. Loss-of-function variants in TMPRSS15 are known to be pathogenic (PMID: 11719902). This variant is present in population databases (rs759633123, gnomAD 0.0009%). This variant has not been reported in the literature in individuals affected with TMPRSS15-related conditions. Algorithms developed to predict the effect of sequence changes on RNA splicing suggest that this variant may disrupt the consensus splice site. For these reasons, this variant has been classified as Pathogenic.

Literature cited by the submitters: PubMed 11719902.

NM_002772.3(TMPRSS15):c.1841_1842del (p.Val614fs)

Gene: TMPRSS15 (transmembrane serine protease 15; minus strand). Cytogenetic location: 21q21.1.
Variant type: Microsatellite.
Coding change: c.1841_1842del on transcript NM_002772.3 (MANE Select); coding-DNA positions 1841 to 1842, 2 bases deleted (TG; older notation c.1841_1842delTG).
Protein change: p.Val614fs; shifts the reading frame from valine 614.
Molecular consequence: frameshift variant.
Genome position (GRCh38, 1-based): chr21:18,326,511-18,326,512, CA deleted on the plus strand (TG on the coding strand, the reverse complement: TMPRSS15 is on the minus strand); deleting any 2 consecutive bases within chr21:18,326,511-18,326,514 gives the same sequence; the c. name uses the placement nearest the transcript's 3' end. VCF-style (leftmost placement, unchanged base first): chr21-18326510-GCA-G. GRCh37 (hg19) VCF-style: chr21-19698827-GCA-G.
Other names: c.1976_1977del, p.Val659fs (NM_001428056.1); c.1841_1842del, p.Val614fs (NM_001428057.1); short protein forms V659fs, V614fs.
Identifiers: ClinVar variation 3648999 (VCV003648999.2).
Genomic context (GRCh38, chr21:18,326,510, plus strand): 5'-AGCCAGTAGTAAAGTTTGCTTTAAACCCTCCTCTTGCCAACACATCGTTAGTGATGAGAA[GCA>G]CAGTCATTCTGTTGGTGGTAGAGAACACATCCTTTACTGGGCCAGGCCCTGTGTACACAG-3'